The following is an entry in ClinVar:

ClinVar aggregate classification (germline): Conflicting classifications of pathogenicity. Review status: criteria provided, conflicting classifications (1 of 4 stars). 2 submissions from 2 submitters: Uncertain significance (1); Likely benign (1). Last evaluated 2023-03-23.

Conditions:
Hereditary breast ovarian cancer syndrome. Also called: Hereditary breast and ovarian cancer syndrome (HBOC); Hereditary breast and ovarian cancer syndrome; Breast and ovarian cancer; Hereditary breast and/or ovarian cancer syndrome; Hereditary breast and ovarian cancer; BRCA1- and BRCA2-Associated Hereditary Breast and Ovarian Cancer. Identifiers: Orphanet 145, MedGen C0677776, MeSH D061325, MONDO:0003582. Disease mechanism: loss of function.
Hereditary cancer-predisposing syndrome. Also called: Neoplastic Syndromes, Hereditary; Hereditary Cancer Syndrome; Hereditary neoplastic syndrome; Tumor predisposition. Identifiers: Orphanet 140162, MedGen C0027672, MeSH D009386, MONDO:0015356.

Submissions (2):

University of Washington Department of Laboratory Medicine, University of Washington
Classification: Likely benign for Hereditary cancer-predisposing syndrome. Last evaluated: 2023-03-23. Review status: criteria provided, single submitter. Criteria: Dines et al. (Genet Med. 2020). Collection method: curation. Allele origin: germline.
Comment: Missense variant in a coldspot region where missense variants are very unlikely to be pathogenic (PMID:31911673).

BRCA1 coldspot (exon 11 using historical exon numbering). Reclassification based on statistical prior probability

Labcorp Genetics (formerly Invitae), Labcorp
Classification: Uncertain significance for Hereditary breast ovarian cancer syndrome. Last evaluated: 2017-04-10. Review status: criteria provided, single submitter. Criteria: Invitae Variant Classification Sherloc (09022015). Collection method: clinical testing. Allele origin: germline.
Comment: This sequence change replaces glycine with valine at codon 1350 of the BRCA1 protein (p.Gly1350Val). The glycine residue is moderately conserved and there is a moderate physicochemical difference between glycine and valine. This variant is not present in population databases (ExAC no frequency) and has not been reported in the literature in individuals with a BRCA1-related disease. Algorithms developed to predict the effect of missense changes on protein structure and function (SIFT, PolyPhen-2, Align-GVGD) all suggest that this variant is likely to be tolerated, but these predictions have not been confirmed by published functional studies. In summary, this variant is a novel missense change that is not predicted to affect protein function. There is no indication that it causes disease, but the available evidence is currently insufficient to prove that conclusively. Therefore, it has been classified as a Variant of Uncertain Significance.

NM_007294.4(BRCA1):c.4049G>T (p.Gly1350Val)

Genes: BRCA1 (BRCA1 DNA repair associated; minus strand), LOC126862571 (BRD4-independent group 4 enhancer GRCh37_chr17:41243136-41244335; plus strand). Cytogenetic location: 17q21.31.
Variant type: single nucleotide variant.
Coding change: c.4049G>T on transcript NM_007294.4 (MANE Select); coding-DNA position 4049, G replaced by T.
Protein change: p.Gly1350Val; replaces glycine 1350 with valine.
Molecular consequence: missense variant. On other transcripts: intron variant (135).
Genome position (GRCh38, 1-based): chr17:43,091,482, C>A on the plus strand (G>T on the coding strand, the complement: BRCA1 is on the minus strand). VCF-style: chr17-43091482-C-A. GRCh37 (hg19) VCF-style: chr17-41243499-C-A.
Other names: c.3836G>T, p.Gly1279Val (NM_001407571.1, NM_001407853.1, NM_001407894.1 and 9 more transcripts); c.4049G>T, p.Gly1350Val (NM_001407581.1, NM_001407582.1, NM_001407583.1 and 30 more transcripts); c.4046G>T, p.Gly1349Val (NM_001407587.1, NM_001407590.1, NM_001407591.1 and 22 more transcripts); c.4040G>T, p.Gly1347Val (NM_001407646.1, NM_001407647.1); c.3926G>T, p.Gly1309Val (NM_001407648.1, NM_001407664.1, NM_001407665.1 and 19 more transcripts); c.3923G>T, p.Gly1308Val (NM_001407649.1, NM_001407670.1, NM_001407671.1 and 11 more transcripts); c.3971G>T, p.Gly1324Val (NM_001407653.1, NM_001407654.1, NM_001407655.1 and 4 more transcripts); c.3968G>T, p.Gly1323Val (NM_001407659.1, NM_001407660.1, NM_001407661.1 and 1 more transcripts); and 41 more; short protein forms G1350V, G1303V, G1239V, G1222V, G1279V, G1283V, G1302V, G1349V.
Identifiers: ClinVar variation 462631 (VCV000462631.12), dbSNP rs1433564897, ClinGen allele CA10593862.